The following is an entry in ClinVar:

ClinVar aggregate classification (germline): Likely pathogenic (1 of 4 stars; one submission).

gnomAD v4.1: 1 of 1,612,476 alleles (0.000062%); highest among the groups gnomAD compares: Admixed American, 0.0017%; no homozygotes.

Submission:

Mayo Clinic Laboratories, Mayo Clinic
Classification: Likely pathogenic. Last evaluated: 2020-07-20. Review status: criteria provided, single submitter. Criteria: ACMG Guidelines, 2015. Collection method: clinical testing. Allele origin: germline. Observed: 1 variant allele.
Comment: PVS1_strong, PM2

NM_001355436.2(SPTB):c.4474-1G>A

Gene: SPTB (spectrin beta, erythrocytic; minus strand). Cytogenetic location: 14q23.3.
Variant type: single nucleotide variant.
Coding change: c.4474-1G>A on transcript NM_001355436.2 (MANE Select); the canonical splice acceptor site of the intron before coding-DNA position 4474, G replaced by A.
Molecular consequence: splice acceptor variant.
Genome position (GRCh38, 1-based): chr14:64,779,247, C>T on the plus strand (G>A on the coding strand, the complement: SPTB is on the minus strand). VCF-style: chr14-64779247-C-T. GRCh37 (hg19) VCF-style: chr14-65245965-C-T.
Other names: c.4474-1G>A (NM_001024858.4, NM_001355437.2).
Identifiers: ClinVar variation 1163071 (VCV001163071.5), dbSNP rs1311265074, ClinGen allele CA390044186.